The following is an entry in ClinVar:

NM_006445.4(PRPF8):c.6469G>A (p.Val2157Met)

Gene: PRPF8 (pre-mRNA processing factor 8; minus strand). Cytogenetic location: 17p13.3.
Variant type: single nucleotide variant.
Coding change: c.6469G>A on transcript NM_006445.4 (MANE Select); coding-DNA position 6469, G replaced by A.
Protein change: p.Val2157Met; replaces valine 2157 with methionine.
Molecular consequence: missense variant.
Genome position (GRCh38, 1-based): chr17:1,651,689, C>T on the plus strand (G>A on the coding strand, the complement: PRPF8 is on the minus strand). VCF-style: chr17-1651689-C-T. GRCh37 (hg19) VCF-style: chr17-1554983-C-T.
Other names: short protein forms V2157M.
Identifiers: ClinVar variation 2996993 (VCV002996993.3), dbSNP rs750741891, ClinGen allele CA286850556.

ClinVar aggregate classification (germline): Uncertain significance (1 of 4 stars; one submission).

Allele frequency attached by ClinVar (database versions not stated): TOPMed below 0.00001; gnomAD 0.00001.
gnomAD v4.1: 6 of 1,614,042 alleles (0.00037%); highest among the groups gnomAD compares: Non-Finnish European, 0.00051%; no homozygotes.

Submission:

Labcorp Genetics (formerly Invitae), Labcorp
Classification: Uncertain significance. Last evaluated: 2023-04-24. Review status: criteria provided, single submitter. Criteria: Invitae Variant Classification Sherloc (09022015). Collection method: clinical testing. Allele origin: germline.
Comment: This variant has not been reported in the literature in individuals affected with PRPF8-related conditions. This sequence change replaces valine, which is neutral and non-polar, with methionine, which is neutral and non-polar, at codon 2157 of the PRPF8 protein (p.Val2157Met). This variant is present in population databases (no rsID available, gnomAD 0.0009%). Advanced modeling of protein sequence and biophysical properties (such as structural, functional, and spatial information, amino acid conservation, physicochemical variation, residue mobility, and thermodynamic stability) performed at Invitae indicates that this missense variant is expected to disrupt PRPF8 protein function. In summary, the available evidence is currently insufficient to determine the role of this variant in disease. Therefore, it has been classified as a Variant of Uncertain Significance.